The following is an entry in ClinVar:

ClinVar aggregate classification (germline): Uncertain significance. Review status: criteria provided, multiple submitters, no conflicts (2 of 4 stars). 3 submissions from 3 submitters: Uncertain significance (2). 1 of the submissions does not count toward it. Last evaluated 2024-10-25.

Conditions:
BBS7-related disorder. Also called: BBS7-related condition.
Bardet-Biedl syndrome (BBS). Identifiers: Orphanet 110, MedGen C0752166, MONDO:0015229.
Bardet-Biedl syndrome 7 (BBS7). Identifiers: Orphanet 110, MedGen C1859565, MONDO:0014435, OMIM 615984.

Allele frequency attached by ClinVar (database versions not stated): gnomAD exomes 0.00001.
gnomAD v4.1: 19 of 1,613,838 alleles (0.0012%); highest among the groups gnomAD compares: Non-Finnish European, 0.0015%; no homozygotes.

Submissions (3):

Labcorp Genetics (formerly Invitae), Labcorp
Classification: Uncertain significance for Bardet-Biedl syndrome. Last evaluated: 2024-10-25. Review status: criteria provided, single submitter. Criteria: Invitae Variant Classification Sherloc (09022015). Collection method: clinical testing. Allele origin: germline.
Comment: This sequence change replaces cysteine, which is neutral and slightly polar, with tyrosine, which is neutral and polar, at codon 481 of the BBS7 protein (p.Cys481Tyr). This variant is present in population databases (no rsID available, gnomAD 0.002%). This variant has not been reported in the literature in individuals affected with BBS7-related conditions. ClinVar contains an entry for this variant (Variation ID: 347483). Invitae Evidence Modeling of protein sequence and biophysical properties (such as structural, functional, and spatial information, amino acid conservation, physicochemical variation, residue mobility, and thermodynamic stability) indicates that this missense variant is expected to disrupt BBS7 protein function with a positive predictive value of 80%. In summary, the available evidence is currently insufficient to determine the role of this variant in disease. Therefore, it has been classified as a Variant of Uncertain Significance.

Illumina Laboratory Services, Illumina
Classification: Uncertain significance for Bardet-Biedl syndrome 7. Last evaluated: 2018-01-13. Review status: criteria provided, single submitter. Criteria: ICSL Variant Classification Criteria 13 December 2019. Collection method: clinical testing. Allele origin: germline.

PreventionGenetics, part of Exact Sciences
Classification: Uncertain significance for BBS7-related condition. Last evaluated: 2023-12-27. Review status: no assertion criteria provided. Collection method: clinical testing. Allele origin: germline. Not counted in ClinVar's aggregate classification.
Comment: The BBS7 c.1442G>A variant is predicted to result in the amino acid substitution p.Cys481Tyr. To our knowledge, this variant has not been reported in the literature. This variant is reported in 0.0018% of alleles in individuals of European (Non-Finnish) descent in gnomAD. At this time, the clinical significance of this variant is uncertain due to the absence of conclusive functional and genetic evidence.

NM_176824.3(BBS7):c.1442G>A (p.Cys481Tyr)

Gene: BBS7 (Bardet-Biedl syndrome 7; minus strand). Cytogenetic location: 4q27.
Variant type: single nucleotide variant.
Coding change: c.1442G>A on transcript NM_176824.3 (MANE Select); coding-DNA position 1442, G replaced by A.
Protein change: p.Cys481Tyr; replaces cysteine 481 with tyrosine.
Molecular consequence: missense variant.
Genome position (GRCh38, 1-based): chr4:121,835,213, C>T on the plus strand (G>A on the coding strand, the complement: BBS7 is on the minus strand). VCF-style: chr4-121835213-C-T. GRCh37 (hg19) VCF-style: chr4-122756368-C-T.
Other names: c.1442G>A, p.Cys481Tyr (NM_018190.4); short protein forms C481Y.
Identifiers: ClinVar variation 347483 (VCV000347483.9), dbSNP rs886059053, ClinGen allele CA10617890.